The following is an entry in ClinVar:

ClinVar aggregate classification (germline): Uncertain significance (1 of 4 stars; one submission).

Conditions:
Hereditary sensory neuropathy-deafness-dementia syndrome. Also called: Hereditary sensory neuropathy type IE; HSN IE; NEUROPATHY, HEREDITARY SENSORY, WITH HEARING LOSS AND DEMENTIA; Hereditary Sensory and Autonomic Neuropathy Type 1E (HSAN1E). Identifiers: Orphanet 456318, MedGen C3279885, MONDO:0013584, OMIM 614116.

Allele frequency attached by ClinVar (database versions not stated): gnomAD exomes below 0.00001; TOPMed below 0.00001.
gnomAD v4.1: 1 of 1,611,118 alleles (0.000062%); highest among the groups gnomAD compares: Non-Finnish European, 0.000085%; no homozygotes.

Submission:

Labcorp Genetics (formerly Invitae), Labcorp
Classification: Uncertain significance for Hereditary sensory neuropathy-deafness-dementia syndrome. Last evaluated: 2023-10-06. Review status: criteria provided, single submitter. Criteria: Invitae Variant Classification Sherloc (09022015). Collection method: clinical testing. Allele origin: germline.
Comment: This sequence change replaces lysine, which is basic and polar, with arginine, which is basic and polar, at codon 1479 of the DNMT1 protein (p.Lys1479Arg). This variant is not present in population databases (gnomAD no frequency). This variant has not been reported in the literature in individuals affected with DNMT1-related conditions. Advanced modeling of protein sequence and biophysical properties (such as structural, functional, and spatial information, amino acid conservation, physicochemical variation, residue mobility, and thermodynamic stability) performed at Invitae indicates that this missense variant is not expected to disrupt DNMT1 protein function. In summary, the available evidence is currently insufficient to determine the role of this variant in disease. Therefore, it has been classified as a Variant of Uncertain Significance.

NM_001130823.3(DNMT1):c.4436A>G (p.Lys1479Arg)

Gene: DNMT1 (DNA methyltransferase 1; minus strand). Cytogenetic location: 19p13.2.
Variant type: single nucleotide variant.
Coding change: c.4436A>G on transcript NM_001130823.3 (MANE Select); coding-DNA position 4436, A replaced by G.
Protein change: p.Lys1479Arg; replaces lysine 1479 with arginine.
Molecular consequence: missense variant.
Genome position (GRCh38, 1-based): chr19:10,137,138, T>C on the plus strand (A>G on the coding strand, the complement: DNMT1 is on the minus strand). VCF-style: chr19-10137138-T-C. GRCh37 (hg19) VCF-style: chr19-10247814-T-C.
Other names: c.4388A>G, p.Lys1463Arg (NM_001318730.2, NM_001379.4); c.4073A>G, p.Lys1358Arg (NM_001318731.2); short protein forms K1463R, K1479R, K1358R.
Identifiers: ClinVar variation 2720778 (VCV002720778.3), dbSNP rs2089500642, ClinGen allele CA403969384.